The following is an entry in ClinVar:

NM_000051.4(ATM):c.6863del (p.Val2288fs)

Genes: ATM (ATM serine/threonine kinase; plus strand), C11orf65 (chromosome 11 open reading frame 65; minus strand). Cytogenetic location: 11q22.3.
Variant type: Deletion.
Coding change: c.6863del on transcript NM_000051.4 (MANE Select); coding-DNA position 6863, one base deleted (T; older notation c.6863delT).
Protein change: p.Val2288fs; shifts the reading frame from valine 2288.
Molecular consequence: frameshift variant. On other transcripts: intron variant (2).
Genome position (GRCh38, 1-based): chr11:108,326,113, T deleted. VCF-style (leftmost placement, unchanged base first): chr11-108326112-GT-G. GRCh37 (hg19) VCF-style: chr11-108196839-GT-G.
Other names: c.6863delT, p.Val2288Alafs (NM_000051.3); c.6863del, p.Val2288fs (NM_001351834.2); c.641-17042del (NM_001330368.2); c.*38+9107del (NM_001351110.2); short protein forms V2288fs.
Identifiers: ClinVar variation 952215 (VCV000952215.8), dbSNP rs2085652979, ClinGen allele CA1139662257.

ClinVar aggregate classification (germline): Pathogenic (1 of 4 stars; one submission).

Conditions:
Ataxia-telangiectasia syndrome (AT). Also called: Ataxia-telangiectasia, complementation group D; AT, COMPLEMENTATION GROUP C; ATAXIA-TELANGIECTASIA, COMPLEMENTATION GROUP A; ATAXIA-TELANGIECTASIA, FRESNO VARIANT; Ataxia-telangiectasia; Ataxia telangiectasia (A-T). Identifiers: Orphanet 100, MedGen C0004135, MONDO:0008840, OMIM 208900.

Submission:

Labcorp Genetics (formerly Invitae), Labcorp
Classification: Pathogenic for Ataxia-telangiectasia syndrome. Last evaluated: 2019-04-19. Review status: criteria provided, single submitter. Criteria: Invitae Variant Classification Sherloc (09022015). Collection method: clinical testing. Allele origin: germline.
Comment: For these reasons, this variant has been classified as Pathogenic. This sequence change creates a premature translational stop signal (p.Val2288Alafs*22) in the ATM gene. It is expected to result in an absent or disrupted protein product. This variant is not present in population databases (ExAC no frequency). This variant has not been reported in the literature in individuals with ATM-related conditions. Loss-of-function variants in ATM are known to be pathogenic (PMID: 23807571, 25614872).

Literature cited by the submitters: PubMed 23807571; PubMed 25614872.